The following is an entry in ClinVar:

ClinVar aggregate classification (germline): Uncertain significance (1 of 4 stars; one submission).

Conditions:
Inborn genetic diseases. Identifiers: MedGen C0950123, MeSH D030342.

Submission:

Ambry Genetics
Classification: Uncertain significance for Inborn genetic diseases. Last evaluated: 2025-06-13. Review status: criteria provided, single submitter. Criteria: Ambry Variant Classification Scheme 2023. Collection method: clinical testing. Allele origin: germline.
Comment: The p.D570E variant (also known as c.1710T>G), located in coding exon 17 of the ANKRD26 gene, results from a T to G substitution at nucleotide position 1710. The aspartic acid at codon 570 is replaced by glutamic acid, an amino acid with highly similar properties. This amino acid position is conserved. In addition, this alteration is predicted to be tolerated by in silico analysis. Based on the available evidence, the clinical significance of this variant remains unclear.

NM_014915.3(ANKRD26):c.1710T>G (p.Asp570Glu)

Gene: ANKRD26 (ankyrin repeat domain containing 26; minus strand). Cytogenetic location: 10p12.1.
Variant type: single nucleotide variant.
Coding change: c.1710T>G on transcript NM_014915.3 (MANE Select); coding-DNA position 1710, T replaced by G.
Protein change: p.Asp570Glu; replaces aspartic acid 570 with glutamic acid.
Molecular consequence: missense variant.
Genome position (GRCh38, 1-based): chr10:27,048,905, A>C on the plus strand (T>G on the coding strand, the complement: ANKRD26 is on the minus strand). VCF-style: chr10-27048905-A-C. GRCh37 (hg19) VCF-style: chr10-27337834-A-C.
Other names: c.1710T>G, p.Asp570Glu (NM_001256053.2); short protein forms D570E.
Identifiers: ClinVar variation 3915311 (VCV003915311.1).